The following is an entry in ClinVar:

ClinVar aggregate classification (germline): Uncertain significance. Review status: criteria provided, multiple submitters, no conflicts (2 of 4 stars). 2 submissions from 2 submitters: Uncertain significance (2). Last evaluated 2025-01-06.

Allele frequency attached by ClinVar (database versions not stated): gnomAD exomes below 0.00001.
gnomAD v4.1: 3 of 1,595,972 alleles (0.00019%); highest among the groups gnomAD compares: Non-Finnish European, 0.00017%; no homozygotes.

Submissions (2):

Labcorp Genetics (formerly Invitae), Labcorp
Classification: Uncertain significance. Last evaluated: 2025-01-06. Review status: criteria provided, single submitter. Criteria: Invitae Variant Classification Sherloc (09022015). Collection method: clinical testing. Allele origin: germline.
Comment: This sequence change replaces serine, which is neutral and polar, with phenylalanine, which is neutral and non-polar, at codon 609 of the OBSL1 protein (p.Ser609Phe). This variant is not present in population databases (gnomAD no frequency). This variant has not been reported in the literature in individuals affected with OBSL1-related conditions. ClinVar contains an entry for this variant (Variation ID: 1950169). An algorithm developed to predict the effect of missense changes on protein structure and function (PolyPhen-2) suggests that this variant is likely to be disruptive. In summary, the available evidence is currently insufficient to determine the role of this variant in disease. Therefore, it has been classified as a Variant of Uncertain Significance.

Blueprint Genetics
Classification: Uncertain significance. Last evaluated: 2020-09-21. Review status: criteria provided, single submitter. Criteria: ACMG Guidelines, 2015. Collection method: clinical testing. Allele origin: germline.

NM_015311.3(OBSL1):c.1826C>T (p.Ser609Phe)

Gene: OBSL1 (obscurin like cytoskeletal adaptor 1; minus strand). Cytogenetic location: 2q35.
Variant type: single nucleotide variant.
Coding change: c.1826C>T on transcript NM_015311.3 (MANE Select); coding-DNA position 1826, C replaced by T.
Protein change: p.Ser609Phe; replaces serine 609 with phenylalanine.
Molecular consequence: missense variant.
Genome position (GRCh38, 1-based): chr2:219,567,284, G>A on the plus strand (C>T on the coding strand, the complement: OBSL1 is on the minus strand). VCF-style: chr2-219567284-G-A. GRCh37 (hg19) VCF-style: chr2-220432006-G-A.
Other names: c.1826C>T, p.Ser609Phe (NM_001173408.2, NM_001173431.2); short protein forms S609F.
Identifiers: ClinVar variation 1950169 (VCV001950169.6), dbSNP rs957665576, ClinGen allele CA66035939.
Genomic context (GRCh38, chr2:219,567,284, plus strand): 5'-CTGGGGAAGGGAGGAGAAGTGATGGGTGGGTCTGGCAGGACCAACTCACCAAGGTGAGCA[G>A]AACCGTGGAACACCACGTGGGGACTACGGCCATGTCCGCTGACTGTGCAGATGCGGAAGC-3'
Protein context (NP_056126.1, residues 599-619): GRSPHVVFHG[Ser609Phe]AHLVPTARLV